The following is an entry in ClinVar:

NM_032193.4(RNASEH2C):c.269A>C (p.Lys90Thr)

Gene: RNASEH2C (ribonuclease H2 subunit C; minus strand). Cytogenetic location: 11q13.1.
Variant type: single nucleotide variant.
Coding change: c.269A>C on transcript NM_032193.4 (MANE Select); coding-DNA position 269, A replaced by C.
Protein change: p.Lys90Thr; replaces lysine 90 with threonine.
Molecular consequence: missense variant.
Genome position (GRCh38, 1-based): chr11:65,720,321, T>G on the plus strand (A>C on the coding strand, the complement: RNASEH2C is on the minus strand). VCF-style: chr11-65720321-T-G. GRCh37 (hg19) VCF-style: chr11-65487792-T-G.
Other names: short protein forms K90T.
Identifiers: ClinVar variation 1396056 (VCV001396056.5), dbSNP rs772347588, ClinGen allele CA6107754.
Genomic context (GRCh38, chr11:65,720,321, plus strand): 5'-TCCTCCTCTTGGTCGTCAGTCCCGGAATCCCGCAAGGGGTCTGGCTTCCCCATCGACACC[T>G]TCTTCTCTTCTGTCACCATCACGTATCCCACGAGGCCAGGCGGCACCGCCACCTCCTCTC-3'
Protein context (NP_115569.2, residues 80-100): VGYVMVTEEK[Lys90Thr]VSMGKPDPLR

ClinVar aggregate classification (germline): Uncertain significance (1 of 4 stars; one submission).

Conditions:
Aicardi-Goutieres syndrome 3. Identifiers: Orphanet 51, MedGen C1835916, MONDO:0012471, OMIM 610329.

gnomAD v4.1: 36 of 1,601,800 alleles (0.0022%); highest among the groups gnomAD compares: South Asian, 0.039%; no homozygotes.

Submission:

Labcorp Genetics (formerly Invitae), Labcorp
Classification: Uncertain significance for Aicardi-Goutieres syndrome 3. Last evaluated: 2021-08-30. Review status: criteria provided, single submitter. Criteria: Invitae Variant Classification Sherloc (09022015). Collection method: clinical testing. Allele origin: germline.
Comment: This sequence change replaces lysine with threonine at codon 90 of the RNASEH2C protein (p.Lys90Thr). The lysine residue is weakly conserved and there is a moderate physicochemical difference between lysine and threonine. This variant is present in population databases (rs772347588, ExAC 0.03%). This variant has not been reported in the literature in individuals affected with RNASEH2C-related conditions. Algorithms developed to predict the effect of missense changes on protein structure and function are either unavailable or do not agree on the potential impact of this missense change (SIFT: "Deleterious"; PolyPhen-2: "Benign"; Align-GVGD: "Class C0"). In summary, the available evidence is currently insufficient to determine the role of this variant in disease. Therefore, it has been classified as a Variant of Uncertain Significance.